The following is an entry in ClinVar:

NM_000143.4(FH):c.558C>T (p.Ser186=)

Gene: FH (fumarate hydratase; minus strand). Cytogenetic location: 1q43.
Variant type: single nucleotide variant.
Coding change: c.558C>T on transcript NM_000143.4 (MANE Select); coding-DNA position 558, C replaced by T.
Protein change: p.Ser186=; no amino-acid change (serine 186 retained).
Molecular consequence: synonymous variant.
Genome position (GRCh38, 1-based): chr1:241,508,783, G>A on the plus strand (C>T on the coding strand, the complement: FH is on the minus strand). VCF-style: chr1-241508783-G-A. GRCh37 (hg19) VCF-style: chr1-241672083-G-A.
Identifiers: ClinVar variation 1125257 (VCV001125257.12), dbSNP rs2147919721, ClinGen allele CA424076180.

ClinVar aggregate classification (germline): Benign/Likely benign. Review status: criteria provided, multiple submitters, no conflicts (2 of 4 stars). 3 submissions from 3 submitters: Benign (1); Likely benign (2). Last evaluated 2024-10-18.

Conditions:
Hereditary cancer-predisposing syndrome. Also called: Neoplastic Syndromes, Hereditary; Hereditary Cancer Syndrome; Hereditary neoplastic syndrome; Tumor predisposition. Identifiers: Orphanet 140162, MedGen C0027672, MeSH D009386, MONDO:0015356.
Hereditary leiomyomatosis and renal cell cancer. Also called: Reed syndrome; Multiple cutaneous and uterine leiomyomatosis; Cutaneous leiomyomata with uterine leiomyomata; Leiomyoma, hereditary multiple, of skin; Multiple cutaneous and uterine leiomyomata; Multiple cutaneous leiomyomas. Identifiers: Orphanet 523, MedGen C1708350, MONDO:0007888, OMIM 150800, HP:0007437. Disease mechanism: loss of function.

gnomAD v4.1: 4 of 1,612,904 alleles (0.00025%); highest among the groups gnomAD compares: Non-Finnish European, 0.00025%; no homozygotes.

Submissions (3):

Myriad Genetics, Inc.
Classification: Benign for Hereditary leiomyomatosis and renal cell cancer. Last evaluated: 2024-10-18. Review status: criteria provided, single submitter. Criteria: Myriad Autosomal Dominant, Autosomal Recessive and X-Linked Classification Criteria (2023). Collection method: clinical testing. Allele origin: unknown.
Comment: This variant is considered benign. This variant is a silent/synonymous amino acid change and it is not expected to impact splicing.

Labcorp Genetics (formerly Invitae), Labcorp
Classification: Likely benign. Last evaluated: 2024-07-10. Review status: criteria provided, single submitter. Criteria: Invitae Variant Classification Sherloc (09022015). Collection method: clinical testing. Allele origin: germline.

Ambry Genetics
Classification: Likely benign for Hereditary cancer-predisposing syndrome. Last evaluated: 2021-01-19. Review status: criteria provided, single submitter. Criteria: Ambry Variant Classification Scheme 2023. Collection method: clinical testing. Allele origin: germline.